The following is an entry in ClinVar:

NM_001979.6(EPHX2):c.810T>C (p.Ser270=)

Gene: EPHX2 (epoxide hydrolase 2; plus strand). Cytogenetic location: 8p21.1.
Variant type: single nucleotide variant.
Coding change: c.810T>C on transcript NM_001979.6 (MANE Select); coding-DNA position 810, T replaced by C.
Protein change: p.Ser270=; no amino-acid change (serine 270 retained).
Molecular consequence: synonymous variant. On other transcripts: non-coding transcript variant (3), intron variant (1).
Genome position (GRCh38, 1-based): chr8:27,515,792, T>C. VCF-style: chr8-27515792-T-C. GRCh37 (hg19) VCF-style: chr8-27373309-T-C.
Other names: c.651T>C, p.Ser217= (NM_001256482.2, NM_001256484.2); c.612T>C, p.Ser204= (NM_001256483.2); c.810T>C, p.Ser270= (NM_001414016.1, NM_001414017.1, NM_001414018.1 and 1 more transcripts); c.687T>C, p.Ser229= (NM_001414020.1); c.736-528T>C (NM_001414019.1).
Identifiers: ClinVar variation 3040006 (VCV003040006.2), dbSNP rs35169320, ClinGen allele CA4690145.

ClinVar aggregate classification (germline): Likely benign (0 of 4 stars; one submission).

Conditions:
EPHX2-related disorder. Also called: EPHX2-related condition.

Allele frequency attached by ClinVar (database versions not stated): gnomAD 0.00001.
gnomAD v4.1: 12 of 1,613,760 alleles (0.00074%); highest among the groups gnomAD compares: Admixed American, 0.018%; no homozygotes.

Submission:

PreventionGenetics, part of Exact Sciences
Classification: Likely benign for EPHX2-related condition. Last evaluated: 2019-09-23. Review status: no assertion criteria provided. Collection method: clinical testing. Allele origin: germline.
Comment: This variant is classified as likely benign based on ACMG/AMP sequence variant interpretation guidelines (Richards et al. 2015 PMID: 25741868, with internal and published modifications).